The following is an entry in ClinVar:

NM_018418.5(SPATA7):c.368A>T (p.Gln123Leu)

Gene: SPATA7 (spermatogenesis associated 7; plus strand). Cytogenetic location: 14q31.3.
Variant type: single nucleotide variant.
Coding change: c.368A>T on transcript NM_018418.5 (MANE Select); coding-DNA position 368, A replaced by T.
Protein change: p.Gln123Leu; replaces glutamine 123 with leucine.
Molecular consequence: missense variant.
Genome position (GRCh38, 1-based): chr14:88,416,840, A>T. VCF-style: chr14-88416840-A-T. GRCh37 (hg19) VCF-style: chr14-88883184-A-T.
Other names: c.272A>T, p.Gln91Leu (NM_001040428.4); short protein forms Q123L, Q91L.
Identifiers: ClinVar variation 3753386 (VCV003753386.2).

ClinVar aggregate classification (germline): Uncertain significance (1 of 4 stars; one submission).

Conditions:
Leber congenital amaurosis 3 (LCA3). Also called: SPATA7-Related Retinitis Pigmentosa. Identifiers: MedGen C1858677, MONDO:0011415, OMIM 604232.

Submission:

Labcorp Genetics (formerly Invitae), Labcorp
Classification: Uncertain significance for Leber congenital amaurosis 3. Last evaluated: 2024-11-07. Review status: criteria provided, single submitter. Criteria: Invitae Variant Classification Sherloc (09022015). Collection method: clinical testing. Allele origin: germline.
Comment: This sequence change replaces glutamine, which is neutral and polar, with leucine, which is neutral and non-polar, at codon 123 of the SPATA7 protein (p.Gln123Leu). This variant is not present in population databases (gnomAD no frequency). This variant has not been reported in the literature in individuals affected with SPATA7-related conditions. Invitae Evidence Modeling of protein sequence and biophysical properties (such as structural, functional, and spatial information, amino acid conservation, physicochemical variation, residue mobility, and thermodynamic stability) indicates that this missense variant is not expected to disrupt SPATA7 protein function with a negative predictive value of 80%. In summary, the available evidence is currently insufficient to determine the role of this variant in disease. Therefore, it has been classified as a Variant of Uncertain Significance.